The following is an entry in ClinVar:

ClinVar aggregate classification (germline): Uncertain significance (1 of 4 stars; one submission).

Conditions:
Cardiovascular phenotype. Identifiers: MedGen CN230736.

gnomAD v4.1: 1 of 1,614,120 alleles (0.000062%); highest among the groups gnomAD compares: Non-Finnish European, 0.000085%; no homozygotes.

Submission:

Ambry Genetics
Classification: Uncertain significance for Cardiovascular phenotype. Last evaluated: 2025-01-31. Review status: criteria provided, single submitter. Criteria: Ambry Variant Classification Scheme 2023. Collection method: clinical testing. Allele origin: germline.
Comment: The p.V1794I variant (also known as c.5380G>A), located in coding exon 26 of the APOB gene, results from a G to A substitution at nucleotide position 5380. The valine at codon 1794 is replaced by isoleucine, an amino acid with highly similar properties. This amino acid position is conserved. In addition, this alteration is predicted to be tolerated by in silico analysis. Based on the available evidence, the clinical significance of this variant remains unclear.

NM_000384.3(APOB):c.5380G>A (p.Val1794Ile)

Gene: APOB (apolipoprotein B; minus strand). Cytogenetic location: 2p24.1.
Variant type: single nucleotide variant.
Coding change: c.5380G>A on transcript NM_000384.3 (MANE Select); coding-DNA position 5380, G replaced by A.
Protein change: p.Val1794Ile; replaces valine 1794 with isoleucine.
Molecular consequence: missense variant.
Genome position (GRCh38, 1-based): chr2:21,011,488, C>T on the plus strand (G>A on the coding strand, the complement: APOB is on the minus strand). VCF-style: chr2-21011488-C-T. GRCh37 (hg19) VCF-style: chr2-21234360-C-T.
Other names: short protein forms V1794I.
Identifiers: ClinVar variation 3885202 (VCV003885202.1).